The following is an entry in ClinVar:

NM_000059.4(BRCA2):c.5808G>T (p.Met1936Ile)

Gene: BRCA2 (BRCA2 DNA repair associated; plus strand). Cytogenetic location: 13q13.1.
Variant type: single nucleotide variant.
Coding change: c.5808G>T on transcript NM_000059.4 (MANE Select); coding-DNA position 5808, G replaced by T.
Protein change: p.Met1936Ile; replaces methionine 1936 with isoleucine.
Molecular consequence: missense variant.
Genome position (GRCh38, 1-based): chr13:32,340,163, G>T. VCF-style: chr13-32340163-G-T. GRCh37 (hg19) VCF-style: chr13-32914300-G-T.
Other names: c.5808G>T, p.Met1936Ile (NM_001406719.1, NM_001406720.1); short protein forms M1936I.
Identifiers: ClinVar variation 1749822 (VCV001749822.5), dbSNP rs759138390, ClinGen allele CA387787244.

ClinVar aggregate classification (germline): Likely benign. Review status: criteria provided, multiple submitters, no conflicts (2 of 4 stars). 3 submissions from 3 submitters: Likely benign (3). Last evaluated 2025-08-26.

Conditions:
Hereditary cancer-predisposing syndrome. Also called: Neoplastic Syndromes, Hereditary; Tumor predisposition; Hereditary neoplastic syndrome; Hereditary Cancer Syndrome. Identifiers: Orphanet 140162, MedGen C0027672, MeSH D009386, MONDO:0015356.
Breast-ovarian cancer, familial, susceptibility to, 2 (BROVCA2). Also called: BRCA2 Hereditary Breast and Ovarian Cancer. Identifiers: Orphanet 145, MedGen C2675520, MONDO:0012933, OMIM 612555. Disease mechanism: loss of function.

Submissions (3):

Myriad Genetics, Inc.
Classification: Likely benign for Breast-ovarian cancer, familial, susceptibility to, 2. Last evaluated: 2025-08-26. Review status: criteria provided, single submitter. Criteria: Myriad Autosomal Dominant, Autosomal Recessive and X-Linked Classification Criteria (2023). Collection method: clinical testing. Allele origin: unknown.
Comment: This variant is considered likely benign. This variant is strongly associated with less severe personal and family histories of cancer, typical for individuals without pathogenic variants in this gene [PMID: 25085752].

University of Washington Department of Laboratory Medicine, University of Washington
Classification: Likely benign for Hereditary cancer-predisposing syndrome. Last evaluated: 2023-03-23. Review status: criteria provided, single submitter. Criteria: Dines et al. (Genet Med. 2020). Collection method: curation. Allele origin: germline.
Comment: Missense variant in a coldspot region where missense variants are very unlikely to be pathogenic (PMID:31911673).

BRCA2 exon 11 coldspot. Reclassification based on statistical prior probability.

Ambry Genetics
Classification: Likely benign for Hereditary cancer-predisposing syndrome. Last evaluated: 2019-02-25. Review status: criteria provided, single submitter. Criteria: Ambry Variant Classification Scheme 2023. Collection method: clinical testing. Allele origin: germline.

Literature cited by the submitters: PubMed 25085752 (cited by Myriad Genetics, Inc.).